The following is an entry in ClinVar:

ClinVar aggregate classification (germline): Uncertain significance. Review status: criteria provided, multiple submitters, no conflicts (2 of 4 stars). 4 submissions from 4 submitters: Uncertain significance (4). Last evaluated 2025-11-17.

Conditions:
Inborn genetic diseases. Identifiers: MedGen C0950123, MeSH D030342.

Allele frequency attached by ClinVar (database versions not stated): TOPMed 0.00003; gnomAD 0.00004 and 0.00005; gnomAD exomes 0.00005; ExAC 0.00012; 1000 Genomes Project 30x 0.00031.
gnomAD v4.1: 64 of 1,593,470 alleles (0.004%); highest among the groups gnomAD compares: Admixed American, 0.0068%; no homozygotes.

Submissions (4):

Labcorp Genetics (formerly Invitae), Labcorp
Classification: Uncertain significance. Last evaluated: 2025-11-17. Review status: criteria provided, single submitter. Criteria: Invitae Variant Classification Sherloc (09022015). Collection method: clinical testing. Allele origin: germline.
Comment: This sequence change replaces methionine, which is neutral and non-polar, with leucine, which is neutral and non-polar, at codon 617 of the MYO15A protein (p.Met617Leu). The frequency data for this variant in the population databases is considered unreliable, as metrics indicate poor data quality at this position in the gnomAD database. This variant has not been reported in the literature in individuals affected with MYO15A-related conditions. ClinVar contains an entry for this variant (Variation ID: 1313781). Invitae Evidence Modeling of protein sequence and biophysical properties (such as structural, functional, and spatial information, amino acid conservation, physicochemical variation, residue mobility, and thermodynamic stability) indicates that this missense variant is not expected to disrupt MYO15A protein function with a negative predictive value of 95%. In summary, the available evidence is currently insufficient to determine the role of this variant in disease. Therefore, it has been classified as a Variant of Uncertain Significance.

GeneDx
Classification: Uncertain significance. Last evaluated: 2025-07-29. Review status: criteria provided, single submitter. Criteria: GeneDx Variant Classification Process June 2021. Collection method: clinical testing. Allele origin: germline. Affected: yes.
Comment: In silico analysis suggests that this missense variant does not alter protein structure/function; Has not been previously published as pathogenic or benign to our knowledge

Ambry Genetics
Classification: Uncertain significance for Inborn genetic diseases. Last evaluated: 2024-07-05. Review status: criteria provided, single submitter. Criteria: Ambry Variant Classification Scheme 2023. Collection method: clinical testing. Allele origin: germline.

Blueprint Genetics
Classification: Uncertain significance. Last evaluated: 2022-02-24. Review status: criteria provided, single submitter. Criteria: ACMG Guidelines, 2015. Collection method: clinical testing. Allele origin: germline.

NM_016239.4(MYO15A):c.1849A>C (p.Met617Leu)

Gene: MYO15A (myosin XVA; plus strand). Cytogenetic location: 17p11.2.
Variant type: single nucleotide variant.
Coding change: c.1849A>C on transcript NM_016239.4 (MANE Select); coding-DNA position 1849, A replaced by C.
Protein change: p.Met617Leu; replaces methionine 617 with leucine.
Molecular consequence: missense variant.
Genome position (GRCh38, 1-based): chr17:18,120,649, A>C. VCF-style: chr17-18120649-A-C. GRCh37 (hg19) VCF-style: chr17-18023963-A-C.
Other names: short protein forms M617L.
Identifiers: ClinVar variation 1313781 (VCV001313781.8), dbSNP rs771145836, ClinGen allele CA8423193.